The following is an entry in ClinVar:

NM_001164508.2(NEB):c.24625A>G (p.Thr8209Ala)

Genes: NEB (nebulin; minus strand), RIF1 (replication timing regulatory factor 1; plus strand). Cytogenetic location: 2q23.3.
Variant type: single nucleotide variant.
Coding change: c.24625A>G on transcript NM_001164508.2 (MANE Select); coding-DNA position 24625, A replaced by G.
Protein change: p.Thr8209Ala; replaces threonine 8209 with alanine.
Molecular consequence: missense variant.
Genome position (GRCh38, 1-based): chr2:151,493,822, T>C on the plus strand (A>G on the coding strand, the complement: NEB is on the minus strand). VCF-style: chr2-151493822-T-C. GRCh37 (hg19) VCF-style: chr2-152350336-T-C.
Other names: c.24625A>G, p.Thr8209Ala (NM_001164507.2); c.24730A>G, p.Thr8244Ala (NM_001271208.2); c.19057A>G, p.Thr6353Ala (NM_004543.5); short protein forms T6353A, T8209A, T8244A.
Identifiers: ClinVar variation 1421284 (VCV001421284.5), dbSNP rs1680474922, ClinGen allele CA348775486.

ClinVar aggregate classification (germline): Uncertain significance (1 of 4 stars; one submission).

Conditions:
Nemaline myopathy 2 (NEM2). Also called: Nemaline myopathy 2, autosomal recessive. Identifiers: MedGen C1850569, MONDO:0009725, OMIM 256030.

Submission:

Labcorp Genetics (formerly Invitae), Labcorp
Classification: Uncertain significance for Nemaline myopathy 2. Last evaluated: 2021-08-27. Review status: criteria provided, single submitter. Criteria: Invitae Variant Classification Sherloc (09022015). Collection method: clinical testing. Allele origin: germline.
Comment: This sequence change replaces threonine with alanine at codon 8244 of the NEB protein (p.Thr8244Ala). The threonine residue is moderately conserved and there is a small physicochemical difference between threonine and alanine. This variant is not present in population databases (ExAC no frequency). This variant has not been reported in the literature in individuals affected with NEB-related conditions. Algorithms developed to predict the effect of missense changes on protein structure and function are either unavailable or do not agree on the potential impact of this missense change (SIFT: "Deleterious"; PolyPhen-2: "Not Available"; Align-GVGD: "Class C0"). In summary, the available evidence is currently insufficient to determine the role of this variant in disease. Therefore, it has been classified as a Variant of Uncertain Significance.